The following is an entry in ClinVar:

ClinVar aggregate classification (germline): Pathogenic (1 of 4 stars; one submission).

Submission:

Labcorp Genetics (formerly Invitae), Labcorp
Classification: Pathogenic. Last evaluated: 2023-09-04. Review status: criteria provided, single submitter. Criteria: Invitae Variant Classification Sherloc (09022015). Collection method: clinical testing. Allele origin: germline.
Comment: This sequence change creates a premature translational stop signal (p.Val89Asnfs*2) in the COX15 gene. It is expected to result in an absent or disrupted protein product. Loss-of-function variants in COX15 are known to be pathogenic (PMID: 15863660, 21412973). This variant is not present in population databases (gnomAD no frequency). This variant has not been reported in the literature in individuals affected with COX15-related conditions. For these reasons, this variant has been classified as Pathogenic.

Literature cited by the submitters: PubMed 15863660; PubMed 21412973.

NM_078470.6(COX15):c.264_265del (p.Val89fs)

Gene: COX15 (cytochrome c oxidase assembly factor COX15; minus strand). Cytogenetic location: 10q24.2.
Variant type: Deletion.
Coding change: c.264_265del on transcript NM_078470.6 (MANE Select); coding-DNA positions 264 to 265, 2 bases deleted (AG; older notation c.264_265delAG).
Protein change: p.Val89fs; shifts the reading frame from valine 89.
Molecular consequence: frameshift variant. On other transcripts: 5 prime UTR variant (1), non-coding transcript variant (1).
Genome position (GRCh38, 1-based): chr10:99,729,560-99,729,561, CT deleted on the plus strand (AG on the coding strand, the reverse complement: COX15 is on the minus strand); deleting any 2 consecutive bases within chr10:99,729,560-99,729,562 gives the same sequence; the c. name uses the placement nearest the transcript's 3' end. VCF-style (leftmost placement, unchanged base first): chr10-99729559-ACT-A. GRCh37 (hg19) VCF-style: chr10-101489316-ACT-A.
Other names: c.264_265del, p.Val89fs (NM_001320974.2, NM_001320975.2, NM_001372024.1 and 5 more transcripts); c.-191_-190del (NM_001320976.2); short protein forms V89fs.
Identifiers: ClinVar variation 2757837 (VCV002757837.3), dbSNP rs2492734911, ClinGen allele CA2697558716.